The following is an entry in ClinVar:

ClinVar aggregate classification (germline): Likely pathogenic. Review status: criteria provided, single submitter (1 of 4 stars). 2 submissions from 2 submitters: Likely pathogenic (1). 1 of the submissions does not count toward it. Last evaluated 2020-10-01.

Submissions (2):

Labcorp Genetics (formerly Invitae), Labcorp
Classification: Likely pathogenic. Last evaluated: 2020-10-01. Review status: criteria provided, single submitter. Criteria: Invitae Variant Classification Sherloc (09022015). Collection method: clinical testing. Allele origin: germline.
Comment: This sequence change replaces threonine with isoleucine at codon 959 of the ABCA4 protein (p.Thr959Ile). The threonine residue is highly conserved and there is a moderate physicochemical difference between threonine and isoleucine. This variant is not present in population databases (ExAC no frequency). This variant has been observed in individual(s) with Stargardt disease or clinical features of inherited retinal disease (PMID: 10958763, Invitae). In at least one individual the data is consistent with the variant being in trans (on the opposite chromosome) from a pathogenic variant. ClinVar contains an entry for this variant (Variation ID: 99168). This variant has been reported to affect ABCA4 protein function (PMID: 24097981). In summary, the currently available evidence indicates that the variant is pathogenic, but additional data are needed to prove that conclusively. Therefore, this variant has been classified as Likely Pathogenic.

Retina International
No classification provided. Review status: no classification provided. Collection method: not provided. Allele origin: not provided. Not counted in ClinVar's aggregate classification.

Literature cited by the submitters: PubMed 10958763 (cited by Labcorp Genetics (formerly Invitae), Labcorp); PubMed 24097981 (cited by Labcorp Genetics (formerly Invitae), Labcorp).

NM_000350.3(ABCA4):c.2876C>T (p.Thr959Ile)

Gene: ABCA4 (ATP binding cassette subfamily A member 4; minus strand). Cytogenetic location: 1p22.1.
Variant type: single nucleotide variant.
Coding change: c.2876C>T on transcript NM_000350.3 (MANE Select); coding-DNA position 2876, C replaced by T.
Protein change: p.Thr959Ile; replaces threonine 959 with isoleucine.
Molecular consequence: missense variant.
Genome position (GRCh38, 1-based): chr1:94,046,961, G>A on the plus strand (C>T on the coding strand, the complement: ABCA4 is on the minus strand). VCF-style: chr1-94046961-G-A. GRCh37 (hg19) VCF-style: chr1-94512517-G-A.
Other names: c.2654C>T, p.Thr885Ile (NM_001425324.1); short protein forms T959I, T885I.
Identifiers: ClinVar variation 99168 (VCV000099168.9), dbSNP rs61752409, ClinGen allele CA227044.
Genomic context (GRCh38, chr1:94,046,961, plus strand): 5'-CTCTGCTGGAAGACTCACAAGGTGGTGGTTTTCCCAGCTCCATTGTGGCCCAGGAATGCG[G>A]TGATCTGGTTCTCGTAGAAGGTGATGTTCAGACGGTCCACAGCTGGCCGGCCACAGGGCT-3'
Protein context (NP_000341.2, residues 949-969): LNITFYENQI[Thr959Ile]AFLGHNGAGK